The following is an entry in ClinVar:

ClinVar aggregate classification (germline): Uncertain significance (1 of 4 stars; one submission).

Allele frequency attached by ClinVar (database versions not stated): gnomAD exomes 0.00001.
gnomAD v4.1: 3 of 1,613,454 alleles (0.00019%); highest among the groups gnomAD compares: South Asian, 0.0011%; no homozygotes.

Submission:

Labcorp Genetics (formerly Invitae), Labcorp
Classification: Uncertain significance. Last evaluated: 2022-08-23. Review status: criteria provided, single submitter. Criteria: Invitae Variant Classification Sherloc (09022015). Collection method: clinical testing. Allele origin: germline.
Comment: This sequence change replaces proline, which is neutral and non-polar, with serine, which is neutral and polar, at codon 1548 of the FRAS1 protein (p.Pro1548Ser). This variant is present in population databases (no rsID available, gnomAD 0.0009%). This variant has not been reported in the literature in individuals affected with FRAS1-related conditions. Algorithms developed to predict the effect of missense changes on protein structure and function (SIFT, PolyPhen-2, Align-GVGD) all suggest that this variant is likely to be tolerated. In summary, the available evidence is currently insufficient to determine the role of this variant in disease. Therefore, it has been classified as a Variant of Uncertain Significance.

NM_025074.7(FRAS1):c.4642C>T (p.Pro1548Ser)

Gene: FRAS1 (Fraser extracellular matrix complex subunit 1; plus strand). Cytogenetic location: 4q21.21.
Variant type: single nucleotide variant.
Coding change: c.4642C>T on transcript NM_025074.7 (MANE Select); coding-DNA position 4642, C replaced by T.
Protein change: p.Pro1548Ser; replaces proline 1548 with serine.
Molecular consequence: missense variant.
Genome position (GRCh38, 1-based): chr4:78,421,964, C>T. VCF-style: chr4-78421964-C-T. GRCh37 (hg19) VCF-style: chr4-79343118-C-T.
Other names: c.4642C>T, p.Pro1548Ser (NM_001166133.2); short protein forms P1548S.
Identifiers: ClinVar variation 2049958 (VCV002049958.1), dbSNP rs1176106837, ClinGen allele CA357381456.
Genomic context (GRCh38, chr4:78,421,964, plus strand): 5'-TATTTCACGCAAGAGGATATTAACCAGGGCAAAGTCATGTACCGCCCTCCCCCGGCAGCA[C>T]CCCACCTCCAGGAGCTCATGGCCTTCTCGTTCGCTGGTAATGCTCTCCTCTCTGCTTTGA-3'
Protein context (NP_079350.5, residues 1538-1558): KVMYRPPPAA[Pro1548Ser]HLQELMAFSF